The following is an entry in ClinVar:

ClinVar aggregate classification (germline): Uncertain significance. Review status: criteria provided, multiple submitters, no conflicts (2 of 4 stars). 4 submissions from 4 submitters: Uncertain significance (3). 1 of the submissions does not count toward it. Last evaluated 2021-08-30.

Conditions:
Cardiomyopathy (CMYO). Also called: Cardiomyopathies. Identifiers: Orphanet 167848, MedGen C0878544, MONDO:0004994, HP:0001638. Inheritance: Various modes of inheritance.
Duchenne muscular dystrophy (DMD). Also called: MUSCULAR DYSTROPHY, PSEUDOHYPERTROPHIC PROGRESSIVE, DUCHENNE TYPE; Duchenne Muscular Dystrophy (DMD). Identifiers: Orphanet 98896, MedGen C0013264, MONDO:0010679, OMIM 310200.
Becker muscular dystrophy (BMD). Also called: MUSCULAR DYSTROPHY, PSEUDOHYPERTROPHIC PROGRESSIVE, BECKER TYPE; Becker Muscular Dystrophy (BMD). Identifiers: Orphanet 98895, MedGen C0917713, MONDO:0010311, OMIM 300376.
Dystrophin deficiency.
Dilated cardiomyopathy 3B (CMD3B). Also called: CMD3B: DMD-Related Dilated Cardiomyopathy; CARDIOMYOPATHY, DILATED, X-LINKED; DMD-Associated Dilated Cardiomyopathy. Identifiers: Orphanet 154, MedGen C3668940, MONDO:0010542, OMIM 302045.

Allele frequency attached by ClinVar (database versions not stated): TOPMed 0.00001.

Submissions (4):

Labcorp Genetics (formerly Invitae), Labcorp
Classification: Uncertain significance for Duchenne muscular dystrophy. Last evaluated: 2021-08-30. Review status: criteria provided, single submitter. Criteria: Invitae Variant Classification Sherloc (09022015). Collection method: clinical testing. Allele origin: germline.
Comment: This sequence change replaces methionine with valine at codon 1064 of the DMD protein (p.Met1064Val). The methionine residue is moderately conserved and there is a small physicochemical difference between methionine and valine. This variant is not present in population databases (ExAC no frequency). This variant has not been reported in the literature in individuals affected with DMD-related conditions. Algorithms developed to predict the effect of missense changes on protein structure and function (SIFT, PolyPhen-2, Align-GVGD) all suggest that this variant is likely to be tolerated. In summary, the available evidence is currently insufficient to determine the role of this variant in disease. Therefore, it has been classified as a Variant of Uncertain Significance.

Fulgent Genetics
Classification: Uncertain significance for Becker muscular dystrophy; Dilated cardiomyopathy 3B; Duchenne muscular dystrophy. Last evaluated: 2021-07-02. Review status: criteria provided, single submitter. Criteria: ACMG Guidelines, 2015. Collection method: clinical testing. Allele origin: unknown.

Eurofins Ntd Llc (ga)
Classification: Uncertain significance. Last evaluated: 2018-03-27. Review status: criteria provided, single submitter. Criteria: EGL ClinVar v180209 classification definitions. Collection method: clinical testing. Allele origin: germline. Observed: 1 variant allele, 1 heterozygote.

Natera, Inc.
Classification: Uncertain significance for Becker muscular dystrophy; Cardiomyopathy; Duchenne muscular dystrophy; Dystrophin deficiency. Last evaluated: 2018-09-29. Review status: no assertion criteria provided. Collection method: clinical testing. Allele origin: germline. Not counted in ClinVar's aggregate classification.

NM_004006.3(DMD):c.3190A>G (p.Met1064Val)

Gene: DMD (dystrophin; minus strand). Cytogenetic location: Xp21.1.
Variant type: single nucleotide variant.
Coding change: c.3190A>G on transcript NM_004006.3 (MANE Select); coding-DNA position 3190, A replaced by G.
Protein change: p.Met1064Val; replaces methionine 1064 with valine.
Molecular consequence: missense variant.
Genome position (GRCh38, 1-based): chrX:32,464,672, T>C on the plus strand (A>G on the coding strand, the complement: DMD is on the minus strand). VCF-style: chrX-32464672-T-C. GRCh37 (hg19) VCF-style: chrX-32482789-T-C.
Other names: c.3166A>G, p.Met1056Val (NM_000109.4); c.3178A>G, p.Met1060Val (NM_004009.3); c.2821A>G, p.Met941Val (NM_004010.3); short protein forms M1064V, M1060V, M1056V, M941V.
Identifiers: ClinVar variation 576469 (VCV000576469.11), dbSNP rs1281398911, ClinGen allele CA412665081.